The following is an entry in ClinVar:

NM_007294.4(BRCA1):c.2932T>C (p.Tyr978His)

Gene: BRCA1 (BRCA1 DNA repair associated; minus strand). Cytogenetic location: 17q21.31.
Variant type: single nucleotide variant.
Coding change: c.2932T>C on transcript NM_007294.4 (MANE Select); coding-DNA position 2932, T replaced by C.
Protein change: p.Tyr978His; replaces tyrosine 978 with histidine.
Molecular consequence: missense variant. On other transcripts: intron variant (137).
Genome position (GRCh38, 1-based): chr17:43,092,599, A>G on the plus strand (T>C on the coding strand, the complement: BRCA1 is on the minus strand). VCF-style: chr17-43092599-A-G. GRCh37 (hg19) VCF-style: chr17-41244616-A-G.
Other names: c.785-1567T>C (NM_001407992.1, NM_001408400.1, NM_001408392.1 and 13 more transcripts); c.665-1567T>C (NM_001408440.1, NM_001408428.1, NM_001408441.1 and 12 more transcripts); c.671-1567T>C (NM_001408418.1, NM_001408423.1, NM_001408420.1 and 2 more transcripts); c.788-1567T>C (NM_001407981.1, NM_007298.4, NM_001407978.1 and 17 more transcripts); c.644-1567T>C (NM_001408462.1, NM_001408470.1, NM_001408464.1 and 3 more transcripts); c.710-1567T>C (NM_001408414.1, NM_001408411.1, NM_001408415.1 and 2 more transcripts); c.578-1567T>C (NM_001408514.1, NM_001408485.1, NM_001408483.1 and 9 more transcripts); c.662-1567T>C (NM_001408447.1, NM_001408433.1, NM_001408446.1 and 6 more transcripts); and 41 more; short protein forms Y978H, Y931H, Y851H, Y866H, Y907H, Y936H, Y975H, Y910H.
Identifiers: ClinVar variation 232085 (VCV000232085.11), dbSNP rs876659545, ClinGen allele CA10580591.

ClinVar aggregate classification (germline): Conflicting classifications of pathogenicity. Review status: criteria provided, conflicting classifications (1 of 4 stars). 4 submissions from 4 submitters: Uncertain significance (3); Likely benign (1). Last evaluated 2025-10-23.

Conditions:
Hereditary cancer-predisposing syndrome. Also called: Tumor predisposition; Hereditary Cancer Syndrome; Neoplastic Syndromes, Hereditary; Hereditary neoplastic syndrome. Identifiers: Orphanet 140162, MedGen C0027672, MeSH D009386, MONDO:0015356.
Hereditary breast ovarian cancer syndrome. Also called: Breast and ovarian cancer; Hereditary breast and ovarian cancer; Hereditary breast and ovarian cancer syndrome; Hereditary breast and/or ovarian cancer syndrome; BRCA1- and BRCA2-Associated Hereditary Breast and Ovarian Cancer; Hereditary breast and ovarian cancer syndrome (HBOC). Identifiers: Orphanet 145, MedGen C0677776, MeSH D061325, MONDO:0003582. Disease mechanism: loss of function.
Breast-ovarian cancer, familial, susceptibility to, 1 (BROVCA1). Also called: BRCA1 Hereditary Breast and Ovarian Cancer; OVARIAN CANCER, SUSCEPTIBILITY TO. Identifiers: Orphanet 145, MedGen C2676676, MONDO:0011450, OMIM 604370. Disease mechanism: loss of function.

Allele frequency attached by ClinVar (database versions not stated): gnomAD exomes below 0.00001.
gnomAD v4.1: 1 of 1,614,064 alleles (0.000062%); highest among the groups gnomAD compares: Middle Eastern, 0.016%; no homozygotes.

Submissions (4):

Labcorp Genetics (formerly Invitae), Labcorp
Classification: Uncertain significance for Hereditary breast ovarian cancer syndrome. Last evaluated: 2025-10-23. Review status: criteria provided, single submitter. Criteria: Invitae Variant Classification Sherloc (09022015). Collection method: clinical testing. Allele origin: germline.
Comment: This sequence change replaces tyrosine, which is neutral and polar, with histidine, which is basic and polar, at codon 978 of the BRCA1 protein (p.Tyr978His). This variant is not present in population databases (gnomAD no frequency). This variant has not been reported in the literature in individuals affected with BRCA1-related conditions. ClinVar contains an entry for this variant (Variation ID: 232085). Invitae Evidence Modeling of protein sequence and biophysical properties (such as structural, functional, and spatial information, amino acid conservation, physicochemical variation, residue mobility, and thermodynamic stability) indicates that this missense variant is not expected to disrupt BRCA1 protein function with a negative predictive value of 80%. In summary, the available evidence is currently insufficient to determine the role of this variant in disease. Therefore, it has been classified as a Variant of Uncertain Significance.

Ambry Genetics
Classification: Uncertain significance for Hereditary cancer-predisposing syndrome. Last evaluated: 2025-07-05. Review status: criteria provided, single submitter. Criteria: Ambry Variant Classification Scheme 2023. Collection method: clinical testing. Allele origin: germline.
Comment: The p.Y978H variant (also known as c.2932T>C), located in coding exon 9 of the BRCA1 gene, results from a T to C substitution at nucleotide position 2932. The tyrosine at codon 978 is replaced by histidine, an amino acid with similar properties. This amino acid position is not well conserved in available vertebrate species, and histidine is the reference amino acid in other vertebrate species. In addition, this alteration is predicted to be tolerated by in silico analysis. Based on the available evidence, the clinical significance of this variant remains unclear.

All of Us Research Program, National Institutes of Health
Classification: Uncertain significance for Breast-ovarian cancer, familial, susceptibility to, 1. Last evaluated: 2023-08-15. Review status: criteria provided, single submitter. Criteria: ACMG Guidelines, 2015. Collection method: clinical testing. Allele origin: germline. Inheritance: Autosomal dominant inheritance. Observed: 1 variant allele, 1 heterozygote.
Comment: This study involves interpretation of variants in research participants for the purpose of population health screening. Participant phenotype was not available at the time of variant classification. Additional details can be found in publication PMID: 35346344, PMCID: PMC8962531

University of Washington Department of Laboratory Medicine, University of Washington
Classification: Likely benign for Hereditary cancer-predisposing syndrome. Last evaluated: 2023-03-23. Review status: criteria provided, single submitter. Criteria: Dines et al. (Genet Med. 2020). Collection method: curation. Allele origin: germline.
Comment: Missense variant in a coldspot region where missense variants are very unlikely to be pathogenic (PMID:31911673).

BRCA1 coldspot (exon 11 using historical exon numbering). Reclassification based on statistical prior probability